The following is an entry in ClinVar:

NM_015102.5(NPHP4):c.992+1G>T

Gene: NPHP4 (nephrocystin 4; minus strand). Cytogenetic location: 1p36.31.
Variant type: single nucleotide variant.
Coding change: c.992+1G>T on transcript NM_015102.5 (MANE Select); the canonical splice donor site of the intron after coding-DNA position 992, G replaced by T.
Molecular consequence: splice donor variant.
Genome position (GRCh38, 1-based): chr1:5,948,069, C>A on the plus strand (G>T on the coding strand, the complement: NPHP4 is on the minus strand). VCF-style: chr1-5948069-C-A. GRCh37 (hg19) VCF-style: chr1-6008129-C-A.
Other names: c.-375+1G>T (NM_001291594.2, NM_001291593.2).
Identifiers: ClinVar variation 2824102 (VCV002824102.3), dbSNP rs1439234327, ClinGen allele CA338064388.

ClinVar aggregate classification (germline): Likely pathogenic (1 of 4 stars; one submission).

Conditions:
Nephronophthisis. Also called: Juvenile Nephronophthisis. Identifiers: Orphanet 655, MedGen C0687120, MONDO:0019005, HP:0000090.

Submission:

Labcorp Genetics (formerly Invitae), Labcorp
Classification: Likely pathogenic for Nephronophthisis. Last evaluated: 2023-03-03. Review status: criteria provided, single submitter. Criteria: Invitae Variant Classification Sherloc (09022015). Collection method: clinical testing. Allele origin: germline.
Comment: In summary, the currently available evidence indicates that the variant is pathogenic, but additional data are needed to prove that conclusively. Therefore, this variant has been classified as Likely Pathogenic. This sequence change affects a donor splice site in intron 8 of the NPHP4 gene. It is expected to disrupt RNA splicing. Variants that disrupt the donor or acceptor splice site typically lead to a loss of protein function (PMID: 16199547), and loss-of-function variants in NPHP4 are known to be pathogenic (PMID: 12205563, 23559409). This variant is present in population databases (no rsID available, gnomAD 0.0009%). This variant has not been reported in the literature in individuals affected with NPHP4-related conditions. Algorithms developed to predict the effect of sequence changes on RNA splicing suggest that this variant may disrupt the consensus splice site.

Literature cited by the submitters: PubMed 16199547; PubMed 12205563; PubMed 23559409.